The following is an entry in ClinVar:

ClinVar aggregate classification (germline): Uncertain significance (1 of 4 stars; one submission).

Allele frequency attached by ClinVar (database versions not stated): gnomAD exomes below 0.00001 and 0.00001; ExAC 0.00001.
gnomAD v4.1: 1 of 1,614,088 alleles (0.000062%); highest among the groups gnomAD compares: East Asian, 0.0022%; no homozygotes.

Submission:

Labcorp Genetics (formerly Invitae), Labcorp
Classification: Uncertain significance. Last evaluated: 2022-06-13. Review status: criteria provided, single submitter. Criteria: Invitae Variant Classification Sherloc (09022015). Collection method: clinical testing. Allele origin: germline.
Comment: Algorithms developed to predict the effect of missense changes on protein structure and function (SIFT, PolyPhen-2, Align-GVGD) all suggest that this variant is likely to be disruptive. In summary, the available evidence is currently insufficient to determine the role of this variant in disease. Therefore, it has been classified as a Variant of Uncertain Significance. This variant has not been reported in the literature in individuals affected with C3-related conditions. This variant is present in population databases (rs750045294, gnomAD 0.01%). This sequence change replaces arginine, which is basic and polar, with cysteine, which is neutral and slightly polar, at codon 670 of the C3 protein (p.Arg670Cys).

NM_000064.4(C3):c.2008C>T (p.Arg670Cys)

Gene: C3 (complement C3; minus strand). Cytogenetic location: 19p13.3.
Variant type: single nucleotide variant.
Coding change: c.2008C>T on transcript NM_000064.4 (MANE Select); coding-DNA position 2008, C replaced by T.
Protein change: p.Arg670Cys; replaces arginine 670 with cysteine.
Molecular consequence: missense variant.
Genome position (GRCh38, 1-based): chr19:6,707,505, G>A on the plus strand (C>T on the coding strand, the complement: C3 is on the minus strand). VCF-style: chr19-6707505-G-A. GRCh37 (hg19) VCF-style: chr19-6707516-G-A.
Other names: short protein forms R670C.
Identifiers: ClinVar variation 1357875 (VCV001357875.8), dbSNP rs750045294, ClinGen allele CA9129230.